The following is an entry in ClinVar:

ClinVar aggregate classification (germline): Uncertain significance (1 of 4 stars; one submission).

Conditions:
Cardiovascular phenotype. Identifiers: MedGen CN230736.

Submission:

Ambry Genetics
Classification: Uncertain significance for Cardiovascular phenotype. Last evaluated: 2025-03-23. Review status: criteria provided, single submitter. Criteria: Ambry Variant Classification Scheme 2023. Collection method: clinical testing. Allele origin: germline.
Comment: The p.R1615G variant (also known as c.4843A>G), located in coding exon 31 of the MYH6 gene, results from an A to G substitution at nucleotide position 4843. The arginine at codon 1615 is replaced by glycine, an amino acid with dissimilar properties. This amino acid position is conserved. In addition, this alteration is predicted to be deleterious by in silico analysis. Based on the available evidence, the clinical significance of this variant remains unclear.

NM_002471.4(MYH6):c.4843A>G (p.Arg1615Gly)

Genes: MYH6 (myosin heavy chain 6; minus strand), LOC126861896 (BRD4-independent group 4 enhancer GRCh37_chr14:23854904-23856103; plus strand). Cytogenetic location: 14q11.2.
Variant type: single nucleotide variant.
Coding change: c.4843A>G on transcript NM_002471.4 (MANE Select); coding-DNA position 4843, A replaced by G.
Protein change: p.Arg1615Gly; replaces arginine 1615 with glycine.
Molecular consequence: missense variant.
Genome position (GRCh38, 1-based): chr14:23,386,431, T>C on the plus strand (A>G on the coding strand, the complement: MYH6 is on the minus strand). VCF-style: chr14-23386431-T-C. GRCh37 (hg19) VCF-style: chr14-23855640-T-C.
Other names: short protein forms R1615G.
Identifiers: ClinVar variation 3915579 (VCV003915579.1).
Genomic context (GRCh38, chr14:23,386,431, plus strand): 5'-TGGCGTGGCTGAGCTGGATCTCCATCTCATTGAGGTCTCCTTCCATCTTCTTCTTCACCC[T>C]CAGGACCTCGTTGCGGCTGCGTGTCTCTGCATCCAGGGAGGTCTGCAGCGAGTCCACCAC-3'
Protein context (NP_002462.2, residues 1605-1625): AETRSRNEVL[Arg1615Gly]VKKKMEGDLN